The following is an entry in ClinVar:

ClinVar aggregate classification (germline): Uncertain significance. Review status: criteria provided, multiple submitters, no conflicts (2 of 4 stars). 2 submissions from 2 submitters: Uncertain significance (2). Last evaluated 2025-09-29.

Conditions:
PCNT-related disorder. Also called: PCNT-related condition.
Microcephalic osteodysplastic primordial dwarfism type II (MOPD2). Also called: Microcephalic osteodysplastic primordial dwarfism with tooth abnormalities; MOPD II; OSTEODYSPLASTIC PRIMORDIAL DWARFISM, TYPE II. Identifiers: Orphanet 2637, MedGen C0432246, MONDO:0008872, OMIM 210720.

Submissions (2):

PreventionGenetics, part of Exact Sciences
Classification: Uncertain significance for PCNT-related condition. Last evaluated: 2025-09-29. Review status: criteria provided, single submitter. Criteria: ACMG Guidelines, 2015. Collection method: clinical testing. Allele origin: germline.
Comment: The PCNT c.3421_3423delCTC variant is predicted to result in an in-frame deletion (p.Leu1141del). To our knowledge, this variant has not been reported in the literature. This variant is reported in 0.050% of alleles in individuals of Ashkenazi Jewish descent in gnomAD. At this time, the clinical significance of this variant is uncertain due to the absence of conclusive functional and genetic evidence.

Genomic Research Center, Shahid Beheshti University of Medical Sciences
Classification: Uncertain significance for Microcephalic osteodysplastic primordial dwarfism type 2. Last evaluated: 2019-01-01. Review status: criteria provided, single submitter. Criteria: ACMG Guidelines, 2015. Collection method: clinical testing. Allele origin: unknown. Affected: no. Observed: 2 variant alleles.

NM_006031.6(PCNT):c.3418CTC[1] (p.Leu1141del)

Gene: PCNT (pericentrin; plus strand). Cytogenetic location: 21q22.3.
Variant type: Microsatellite.
Coding change: c.3418CTC[1] on transcript NM_006031.6 (MANE Select); one copy of the 3-base unit CTC starting at c.3418; the reference has two copies in a row; one copy, 3 bases deleted.
Protein change: p.Leu1141del; deletes leucine 1141.
Molecular consequence: inframe deletion.
Genome position (GRCh38, 1-based): chr21:46,385,940-46,385,942, CTC deleted; deleting any 3 consecutive bases within chr21:46,385,936-46,385,942 gives the same sequence; the position shown is the placement nearest the transcript's 3' end. VCF-style (leftmost placement, unchanged base first): chr21-46385935-ACCT-A. GRCh37 (hg19) VCF-style: chr21-47805850-ACCT-A.
Other names: c.3064CTC[1], p.Leu1023del (NM_001315529.2); short protein forms L1141del, L1023del.
Identifiers: ClinVar variation 587589 (VCV000587589.6), dbSNP rs759470656, ClinGen allele CA10079288.